The following is an entry in ClinVar:

NM_001364905.1(LRBA):c.4824G>C (p.Gly1608=)

Gene: LRBA (LPS responsive beige-like anchor protein; minus strand). Cytogenetic location: 4q31.3.
Variant type: single nucleotide variant.
Coding change: c.4824G>C on transcript NM_001364905.1 (MANE Select); coding-DNA position 4824, G replaced by C.
Protein change: p.Gly1608=; no amino-acid change (glycine 1608 retained).
Molecular consequence: synonymous variant.
Genome position (GRCh38, 1-based): chr4:150,828,527, C>G on the plus strand (G>C on the coding strand, the complement: LRBA is on the minus strand). VCF-style: chr4-150828527-C-G. GRCh37 (hg19) VCF-style: chr4-151749679-C-G.
Other names: c.4824G>C, p.Gly1608= (NM_001199282.3, NM_001367550.1, NM_006726.5).
Identifiers: ClinVar variation 3622461 (VCV003622461.10).
Genomic context (GRCh38, chr4:150,828,527, plus strand): 5'-AGGAGGTGCTGTGTGAGGAGTTACTTCCACATGGCTTCCTAAACCAGTGGCTGTTTCTTC[C>G]CCAATGCCTGAGTCCCTCCTTCGAGCAGATGATGTGCTTTCAGATTCTTCCACTGATGCC-3'
Protein context (NP_001351834.1, residues 1598-1618): SSARRRDSGI[Gly1608=]EETATGLGSH

ClinVar aggregate classification (germline): Likely benign. Review status: criteria provided, multiple submitters, no conflicts (2 of 4 stars). 2 submissions from 2 submitters: Likely benign (2). Last evaluated 2025-08-11.

Conditions:
Combined immunodeficiency due to LRBA deficiency. Also called: Common variable immunodeficiency 8, with autoimmunity. Identifiers: Orphanet 445018, MedGen C3553512, MONDO:0013863, OMIM 614700.

gnomAD v4.1: 16 of 1,613,958 alleles (0.00099%); highest among the groups gnomAD compares: Non-Finnish European, 0.0014%; no homozygotes.

Submissions (2):

Labcorp Genetics (formerly Invitae), Labcorp
Classification: Likely benign for Combined immunodeficiency due to LRBA deficiency. Last evaluated: 2025-08-11. Review status: criteria provided, single submitter. Criteria: Invitae Variant Classification Sherloc (09022015). Collection method: clinical testing. Allele origin: germline.

CeGaT Center for Human Genetics Tuebingen
Classification: Likely benign. Last evaluated: 2025-08-01. Review status: criteria provided, single submitter. Criteria: CeGaT Center For Human Genetics Tuebingen Variant Classification Criteria Version 2. Collection method: clinical testing. Allele origin: germline. Affected: yes. Observed: 1 variant allele.
Comment: LRBA: BP4, BP7